The following is an entry in ClinVar:

NM_001958.5(EEF1A2):c.403G>C (p.Glu135Gln)

Genes: EEF1A2 (eukaryotic translation elongation factor 1 alpha 2; minus strand), LOC132090595 (Neanderthal introgressed variant-containing enhancer experimental_60987; plus strand). Cytogenetic location: 20q13.33.
Variant type: single nucleotide variant.
Coding change: c.403G>C on transcript NM_001958.5 (MANE Select); coding-DNA position 403, G replaced by C.
Protein change: p.Glu135Gln; replaces glutamic acid 135 with glutamine.
Molecular consequence: missense variant.
Genome position (GRCh38, 1-based): chr20:63,495,023, C>G on the plus strand (G>C on the coding strand, the complement: EEF1A2 is on the minus strand). VCF-style: chr20-63495023-C-G. GRCh37 (hg19) VCF-style: chr20-62126376-C-G.
Other names: short protein forms E135Q.
Identifiers: ClinVar variation 1363421 (VCV001363421.6), dbSNP rs2145944903, ClinGen allele CA409650226.

ClinVar aggregate classification (germline): Uncertain significance (1 of 4 stars; one submission).

Conditions:
Developmental and epileptic encephalopathy, 33 (DEE33). Also called: Epileptic encephalopathy, early infantile, 33. Identifiers: Orphanet 442835, MedGen C4225337, MONDO:0014625, OMIM 616409.

Submission:

Labcorp Genetics (formerly Invitae), Labcorp
Classification: Uncertain significance for Developmental and epileptic encephalopathy, 33. Last evaluated: 2023-07-07. Review status: criteria provided, single submitter. Criteria: Invitae Variant Classification Sherloc (09022015). Collection method: clinical testing. Allele origin: germline.
Comment: This sequence change replaces glutamic acid, which is acidic and polar, with glutamine, which is neutral and polar, at codon 135 of the EEF1A2 protein (p.Glu135Gln). This variant is not present in population databases (gnomAD no frequency). This variant has not been reported in the literature in individuals affected with EEF1A2-related conditions. ClinVar contains an entry for this variant (Variation ID: 1363421). Advanced modeling of protein sequence and biophysical properties (such as structural, functional, and spatial information, amino acid conservation, physicochemical variation, residue mobility, and thermodynamic stability) performed at Invitae indicates that this missense variant is not expected to disrupt EEF1A2 protein function. In summary, the available evidence is currently insufficient to determine the role of this variant in disease. Therefore, it has been classified as a Variant of Uncertain Significance.